The following is an entry in ClinVar:

NM_015662.3(IFT172):c.509G>T (p.Gly170Val)

Gene: IFT172 (intraflagellar transport 172; minus strand). Cytogenetic location: 2p23.3.
Variant type: single nucleotide variant.
Coding change: c.509G>T on transcript NM_015662.3 (MANE Select); coding-DNA position 509, G replaced by T.
Protein change: p.Gly170Val; replaces glycine 170 with valine.
Molecular consequence: missense variant.
Genome position (GRCh38, 1-based): chr2:27,483,350, C>A on the plus strand (G>T on the coding strand, the complement: IFT172 is on the minus strand). VCF-style: chr2-27483350-C-A. GRCh37 (hg19) VCF-style: chr2-27706217-C-A.
Other names: short protein forms G170V.
Identifiers: ClinVar variation 1398332 (VCV001398332.9), dbSNP rs770113267, ClinGen allele CA346399644.

ClinVar aggregate classification (germline): Uncertain significance. Review status: criteria provided, multiple submitters, no conflicts (2 of 4 stars). 2 submissions from 2 submitters: Uncertain significance (2). Last evaluated 2024-04-20.

Conditions:
Short-rib thoracic dysplasia 10 with or without polydactyly (SRTD10). Identifiers: Orphanet 474, MedGen C3810175, MONDO:0014284, OMIM 615630.
Bardet-Biedl syndrome 20. Identifiers: MedGen C4310707, MONDO:0023670, OMIM 619471, MONDO:0014926.
Retinitis pigmentosa 71 (RP71). Identifiers: Orphanet 791, MedGen C4225342, MONDO:0014618, OMIM 616394.

gnomAD v4.1: 5 of 1,607,298 alleles (0.00031%); highest among the groups gnomAD compares: African/African-American, 0.0013%; no homozygotes.

Submissions (2):

Fulgent Genetics
Classification: Uncertain significance for Short-rib thoracic dysplasia 10 with or without polydactyly; Retinitis pigmentosa 71; Bardet-Biedl syndrome 20. Last evaluated: 2024-04-20. Review status: criteria provided, single submitter. Criteria: ACMG Guidelines, 2015. Collection method: clinical testing. Allele origin: germline.

Labcorp Genetics (formerly Invitae), Labcorp
Classification: Uncertain significance for Retinitis pigmentosa 71; Short-rib thoracic dysplasia 10 with or without polydactyly. Last evaluated: 2024-02-24. Review status: criteria provided, single submitter. Criteria: Invitae Variant Classification Sherloc (09022015). Collection method: clinical testing. Allele origin: germline.
Comment: This sequence change replaces glycine, which is neutral and non-polar, with valine, which is neutral and non-polar, at codon 170 of the IFT172 protein (p.Gly170Val). This variant is not present in population databases (gnomAD no frequency). This variant has not been reported in the literature in individuals affected with IFT172-related conditions. ClinVar contains an entry for this variant (Variation ID: 1398332). Advanced modeling of protein sequence and biophysical properties (such as structural, functional, and spatial information, amino acid conservation, physicochemical variation, residue mobility, and thermodynamic stability) performed at Invitae indicates that this missense variant is expected to disrupt IFT172 protein function with a positive predictive value of 80%. In summary, the available evidence is currently insufficient to determine the role of this variant in disease. Therefore, it has been classified as a Variant of Uncertain Significance.